The following is an entry in ClinVar:

ClinVar aggregate classification (germline): Benign (1 of 4 stars; one submission).

Conditions:
Peutz-Jeghers syndrome (PJS). Also called: POLYPOSIS, HAMARTOMATOUS INTESTINAL; POLYPS-AND-SPOTS SYNDROME; Peutz-Jeghers polyposis; Periorificial lentiginosis syndrome. Identifiers: Orphanet 2869, MedGen C0031269, MeSH D010580, MONDO:0008280, OMIM 175200.

Submission:

Myriad Genetics, Inc.
Classification: Benign for Peutz-Jeghers syndrome. Last evaluated: 2025-03-26. Review status: criteria provided, single submitter. Criteria: Myriad Autosomal Dominant, Autosomal Recessive and X-Linked Classification Criteria (2023). Collection method: clinical testing. Allele origin: unknown.
Comment: This variant is considered benign. This variant is a silent/synonymous amino acid change and it is not expected to impact splicing.

NM_000455.5(STK11):c.591G>A (p.Val197=)

Gene: STK11 (serine/threonine kinase 11; plus strand). Cytogenetic location: 19p13.3.
Variant type: single nucleotide variant.
Coding change: c.591G>A on transcript NM_000455.5 (MANE Select); coding-DNA position 591, G replaced by A.
Protein change: p.Val197=; no amino-acid change (valine 197 retained).
Molecular consequence: synonymous variant. On other transcripts: non-coding transcript variant (1).
Genome position (GRCh38, 1-based): chr19:1,220,499, G>A. VCF-style: chr19-1220499-G-A. GRCh37 (hg19) VCF-style: chr19-1220498-G-A.
Other names: c.591G>A, p.Val197= (NM_001407255.1).
Identifiers: ClinVar variation 3904294 (VCV003904294.1).